The following is an entry in ClinVar:

ClinVar aggregate classification (germline): Likely benign. Review status: criteria provided, multiple submitters, no conflicts (2 of 4 stars). 2 submissions from 2 submitters: Likely benign (2). Last evaluated 2024-04-13.

Conditions:
Pallister-Hall syndrome (PHS). Also called: HYPOTHALAMIC HAMARTOBLASTOMA, HYPOPITUITARISM, IMPERFORATE ANUS, AND POSTAXIAL POLYDACTYLY; GLI3-Related Pallister-Hall Syndrome. Identifiers: Orphanet 672, MedGen C0265220, MONDO:0007804, OMIM 146510.
Greig cephalopolysyndactyly syndrome (GCPS). Also called: POLYSYNDACTYLY WITH PECULIAR SKULL SHAPE; GLI3-Related Greig Cephalopolysyndactyly Syndrome; Greig syndrome. Identifiers: Orphanet 380, MedGen C0265306, MONDO:0008287, OMIM 175700.

Allele frequency attached by ClinVar (database versions not stated): TOPMed 0.00001; gnomAD 0.00002.
gnomAD v4.1: 43 of 1,593,388 alleles (0.0027%); highest among the groups gnomAD compares: South Asian, 0.022%; no homozygotes.

Submissions (2):

Labcorp Genetics (formerly Invitae), Labcorp
Classification: Likely benign for Pallister-Hall syndrome; Greig cephalopolysyndactyly syndrome. Last evaluated: 2024-04-13. Review status: criteria provided, single submitter. Criteria: Invitae Variant Classification Sherloc (09022015). Collection method: clinical testing. Allele origin: germline.

GeneDx
Classification: Likely benign. Last evaluated: 2016-02-24. Review status: criteria provided, single submitter. Criteria: GeneDx Variant Classification (06012015). Collection method: clinical testing. Allele origin: germline. Affected: yes.
Comment: This variant is considered likely benign or benign based on one or more of the following criteria: it is a conservative change, it occurs at a poorly conserved position in the protein, it is predicted to be benign by multiple in silico algorithms, and/or has population frequency not consistent with disease.

NM_000168.6(GLI3):c.1242+16C>T

Gene: GLI3 (GLI family zinc finger 3; minus strand). Cytogenetic location: 7p14.1.
Variant type: single nucleotide variant.
Coding change: c.1242+16C>T on transcript NM_000168.6 (MANE Select); 16 bases into the intron after coding-DNA position 1242, C replaced by T.
Molecular consequence: intron variant.
Genome position (GRCh38, 1-based): chr7:42,026,183, G>A on the plus strand (C>T on the coding strand, the complement: GLI3 is on the minus strand). VCF-style: chr7-42026183-G-A. GRCh37 (hg19) VCF-style: chr7-42065782-G-A.
Identifiers: ClinVar variation 383822 (VCV000383822.3), dbSNP rs754808194, ClinGen allele CA4230923.
Genomic context (GRCh38, chr7:42,026,183, plus strand): 5'-TTAACAGCTGACGTGGTGGCCTGCCCCCACCCTCGGCTGACCAGCACGGCCGGGTGCATC[G>A]ACCTGTCCCTCTCACCTGTGAGGACTCAGAAGGGCCGGAGCTGACCTGGACGGGGTTCAG-3'